The following is an entry in ClinVar:

ClinVar aggregate classification (germline): Conflicting classifications of pathogenicity. Review status: criteria provided, conflicting classifications (1 of 4 stars). 2 submissions from 2 submitters: Uncertain significance (1); Likely benign (1). Last evaluated 2026-09-01.

Allele frequency attached by ClinVar (database versions not stated): gnomAD 0.00032; TOPMed 0.00037; ExAC 0.00043; gnomAD exomes 0.00053; ESP Exome Variant Server 0.00062.
gnomAD v4.1: 852 of 1,612,232 alleles (0.053%); highest among the groups gnomAD compares: Non-Finnish European, 0.066%; 2 homozygotes.

Submissions (6):

CeGaT Center for Human Genetics Tuebingen
Classification: Likely benign. Last evaluated: 2026-09-01. Review status: criteria provided, single submitter. Criteria: CeGaT Center For Human Genetics Tuebingen Variant Classification Criteria Version 2. Collection method: clinical testing. Allele origin: germline. Affected: yes. Observed: 1 variant allele.
Comment: COPB1: BS2

Ambry Genetics
Classification: Uncertain significance. Last evaluated: 2025-01-16. Review status: criteria provided, single submitter. Criteria: Ambry Variant Classification Scheme 2023. Collection method: clinical testing. Allele origin: germline.

Dr. Peter K. Rogan Lab, Western University
No classification provided (evidence only). Condition: Clear cell carcinoma of kidney. Review status: no classification provided. Collection method: in vitro. Allele origin: not applicable. Functional consequence: retained intron. Not counted in ClinVar's aggregate classification.

Dr. Peter K. Rogan Lab, Western University
No classification provided (evidence only). Condition: Lung cancer. Review status: no classification provided. Collection method: in vitro. Allele origin: not applicable. Functional consequence: retained intron. Not counted in ClinVar's aggregate classification.

Dr. Peter K. Rogan Lab, Western University
No classification provided (evidence only). Condition: Colorectal cancer. Review status: no classification provided. Collection method: in vitro. Allele origin: not applicable. Functional consequence: retained intron. Not counted in ClinVar's aggregate classification.

Dr. Peter K. Rogan Lab, Western University
No classification provided (evidence only). Condition: Gastric cancer. Review status: no classification provided. Collection method: in vitro. Allele origin: not applicable. Functional consequence: retained intron. Not counted in ClinVar's aggregate classification.

NM_001144061.2(COPB1):c.1617A>T (p.Arg539Ser)

Gene: COPB1 (coat protein complex I subunit beta 1; minus strand). Cytogenetic location: 11p15.2.
Variant type: single nucleotide variant.
Coding change: c.1617A>T on transcript NM_001144061.2 (MANE Select); coding-DNA position 1617, A replaced by T.
Protein change: p.Arg539Ser; replaces arginine 539 with serine.
Molecular consequence: missense variant.
Genome position (GRCh38, 1-based): chr11:14,474,615, T>A on the plus strand (A>T on the coding strand, the complement: COPB1 is on the minus strand). VCF-style: chr11-14474615-T-A. GRCh37 (hg19) VCF-style: chr11-14496161-T-A.
Other names: NC_000011.9:g.14496161T>A; c.1617A>T, p.Arg539Ser (NM_001144062.2, NM_016451.5); short protein forms R539S.
Identifiers: ClinVar variation 2305392 (VCV002305392.5), dbSNP rs140921247, ClinGen allele CA5894792.
Genomic context (GRCh38, chr11:14,474,615, plus strand): 5'-TGTGGCAAGGGAGGCAGCAACAAAGAAATCTCCATCCAGAAGGAATCCTCTCAAGGGAGG[T>A]CTGCAAAGCAACCAAGGAAAATCAAACCCACCAACTTGCTAAGCAGCATGCAGCTTCTGT-3'
Protein context (NP_001137533.1, residues 529-549): SSRPTKKEED[Arg539Ser]PPLRGFLLDG